The following is an entry in ClinVar:

NM_002528.7(NTHL1):c.637A>G (p.Met213Val)

Gene: NTHL1 (nth like DNA glycosylase 1; minus strand). Cytogenetic location: 16p13.3.
Variant type: single nucleotide variant.
Coding change: c.637A>G on transcript NM_002528.7 (MANE Select); coding-DNA position 637, A replaced by G.
Protein change: p.Met213Val; replaces methionine 213 with valine.
Molecular consequence: missense variant.
Genome position (GRCh38, 1-based): chr16:2,043,615, T>C on the plus strand (A>G on the coding strand, the complement: NTHL1 is on the minus strand). VCF-style: chr16-2043615-T-C. GRCh37 (hg19) VCF-style: chr16-2093616-T-C.
Other names: c.637A>G, p.Met213Val (LRG_1366t1); c.466A>G, p.Met156Val (NM_001318193.2); c.307A>G, p.Met103Val (NM_001318194.2); short protein forms M103V, M156V, M213V.
Identifiers: ClinVar variation 649591 (VCV000649591.17), dbSNP rs756963327, ClinGen allele CA7828186.

ClinVar aggregate classification (germline): Uncertain significance. Review status: criteria provided, multiple submitters, no conflicts (2 of 4 stars). 6 submissions from 6 submitters: Uncertain significance (6). Last evaluated 2025-12-13.

Conditions:
Familial adenomatous polyposis 3. Also called: NTHL1 Tumor Syndrome; NTHL1-related attenuated familial adenomatous polyposis; NTHL1-associated polyposis; NTHL1-Related Adenomatous Polyposis and Colorectal Cancer. Identifiers: Orphanet 220460, Orphanet 454840, MedGen C4225157, MONDO:0014630, OMIM 616415.
NTHL1-related disorder. Also called: NTHL1-related conditions; NTHL1-related condition.
Hereditary cancer-predisposing syndrome. Also called: Neoplastic Syndromes, Hereditary; Tumor predisposition; Hereditary neoplastic syndrome; Hereditary Cancer Syndrome. Identifiers: Orphanet 140162, MedGen C0027672, MeSH D009386, MONDO:0015356.

Allele frequency attached by ClinVar (database versions not stated): ExAC 0.00001; gnomAD 0.00001; gnomAD exomes 0.00001; TOPMed 0.00001.
gnomAD v4.1: 14 of 1,610,452 alleles (0.00087%); highest among the groups gnomAD compares: Non-Finnish European, 0.0011%; no homozygotes.

Submissions (6):

PreventionGenetics, part of Exact Sciences
Classification: Uncertain significance for NTHL1-related condition. Last evaluated: 2025-12-13. Review status: criteria provided, single submitter. Criteria: ACMG Guidelines, 2015. Collection method: clinical testing. Allele origin: germline.
Comment: The NTHL1 c.661A>G variant is predicted to result in the amino acid substitution p.Met221Val. To our knowledge, this variant has not been reported in the literature. This variant is reported in 0.0027% of alleles in individuals of European (Non-Finnish) descent in gnomAD and is interpreted as uncertain significance in ClinVar (Variation ID: 649591). At this time, the clinical significance of this variant is uncertain due to the absence of conclusive functional and genetic evidence.

Labcorp Genetics (formerly Invitae), Labcorp
Classification: Uncertain significance. Last evaluated: 2025-09-21. Review status: criteria provided, single submitter. Criteria: Invitae Variant Classification Sherloc (09022015). Collection method: clinical testing. Allele origin: germline.
Comment: This sequence change replaces methionine, which is neutral and non-polar, with valine, which is neutral and non-polar, at codon 221 of the NTHL1 protein (p.Met221Val). This variant is present in population databases (rs756963327, gnomAD 0.003%). This variant has not been reported in the literature in individuals affected with NTHL1-related conditions. ClinVar contains an entry for this variant (Variation ID: 649591). An algorithm developed to predict the effect of missense changes on protein structure and function (PolyPhen-2) suggests that this variant is likely to be disruptive. In summary, the available evidence is currently insufficient to determine the role of this variant in disease. Therefore, it has been classified as a Variant of Uncertain Significance.

Ambry Genetics
Classification: Uncertain significance for Hereditary cancer-predisposing syndrome. Last evaluated: 2025-06-16. Review status: criteria provided, single submitter. Criteria: Ambry Variant Classification Scheme 2023. Collection method: clinical testing. Allele origin: germline.
Comment: The p.M221V variant (also known as c.661A>G), located in coding exon 4 of the NTHL1 gene, results from an A to G substitution at nucleotide position 661. The methionine at codon 221 is replaced by valine, an amino acid with highly similar properties. This amino acid position is highly conserved in available vertebrate species. In addition, this alteration is predicted to be deleterious by in silico analysis. Based on the available evidence, the clinical significance of this variant remains unclear.

Quest Diagnostics Nichols Institute San Juan Capistrano
Classification: Uncertain significance. Last evaluated: 2024-01-24. Review status: criteria provided, single submitter. Criteria: Quest Diagnostics criteria. Collection method: clinical testing. Allele origin: unknown.
Comment: The NTHL1 c.661A>G (p.Met221Val) variant has not been reported in individuals with NTHL1-related conditions in the published literature. The frequency of this variant in the general population, 0.000027 (3/112306 chromosomes (Genome Aggregation Database)), is uninformative in the assessment of its pathogenicity. Analysis of this variant using bioinformatics tools for the prediction of the effect of amino acid changes on protein structure and function yielded predictions that this variant is damaging. Based on the available information, we are unable to determine the clinical significance of this variant.

Baylor Genetics
Classification: Uncertain significance for Familial adenomatous polyposis 3. Last evaluated: 2023-10-09. Review status: criteria provided, single submitter. Criteria: ACMG Guidelines, 2015. Collection method: clinical testing. Allele origin: unknown.

Institute for Clinical Genetics, University Hospital TU Dresden, University Hospital TU Dresden
Classification: Uncertain significance. Last evaluated: 2021-11-03. Review status: criteria provided, single submitter. Criteria: ACMG Guidelines, 2015. Collection method: clinical testing. Allele origin: germline.